The following is an entry in ClinVar:

ClinVar aggregate classification (germline): Uncertain significance. Review status: criteria provided, multiple submitters, no conflicts (2 of 4 stars). 2 submissions from 2 submitters: Uncertain significance (2). Last evaluated 2024-04-15.

Conditions:
Cardiac arrhythmia. Also called: Arrhythmia; Cardiac rhythm disease. Identifiers: MedGen C0003811, MONDO:0007263, HP:0011675.
Long QT syndrome 2 (LQT2). Identifiers: Orphanet 101016, Orphanet 768, MedGen C3150943, MONDO:0013367, OMIM 613688.

Submissions (2):

Color Diagnostics, LLC DBA Color Health
Classification: Uncertain significance for Cardiac arrhythmia. Last evaluated: 2024-04-15. Review status: criteria provided, single submitter. Criteria: ACMG Guidelines, 2015. Collection method: clinical testing. Allele origin: germline.
Comment: This missense variant replaces glutamine with glutamic acid at codon 376 of the KCNH2 protein. Computational prediction is inconclusive regarding the impact of this variant on protein structure and function (internally defined REVEL score threshold 0.5 < inconclusive < 0.7, PMID: 27666373). To our knowledge, functional studies have not been reported for this variant. This variant has not been reported in individuals affected with KCNH2-related disorders in the literature. This variant has not been identified in the general population by the Genome Aggregation Database (gnomAD). The available evidence is insufficient to determine the role of this variant in disease conclusively. Therefore, this variant is classified as a Variant of Uncertain Significance.

Illumina Laboratory Services, Illumina
Classification: Uncertain significance for Long QT syndrome 2. Last evaluated: 2018-01-13. Review status: criteria provided, single submitter. Criteria: ICSL Variant Classification Criteria 13 December 2019. Collection method: clinical testing. Allele origin: germline.

NM_000238.4(KCNH2):c.1126C>G (p.Gln376Glu)

Gene: KCNH2 (potassium voltage-gated channel subfamily H member 2; minus strand). Cytogenetic location: 7q36.1.
Variant type: single nucleotide variant.
Coding change: c.1126C>G on transcript NM_000238.4 (MANE Select); coding-DNA position 1126, C replaced by G.
Protein change: p.Gln376Glu; replaces glutamine 376 with glutamic acid.
Molecular consequence: missense variant.
Genome position (GRCh38, 1-based): chr7:150,957,293, G>C on the plus strand (C>G on the coding strand, the complement: KCNH2 is on the minus strand). VCF-style: chr7-150957293-G-C. GRCh37 (hg19) VCF-style: chr7-150654381-G-C.
Other names: c.838C>G, p.Gln280Glu (NM_001406753.1, NM_001406756.1); c.949C>G, p.Gln317Glu (NM_001406755.1); c.826C>G, p.Gln276Glu (NM_001406757.1); c.1126C>G, p.Gln376Glu (NM_172056.3); short protein forms Q376E, Q276E, Q280E, Q317E.
Identifiers: ClinVar variation 909783 (VCV000909783.7), dbSNP rs1801405757, ClinGen allele CA369861411.